The following is an entry in ClinVar:

ClinVar aggregate classification (germline): Benign. Review status: reviewed by expert panel (3 of 4 stars). 7 submissions from 7 submitters: Benign (1). 6 of the submissions do not count toward it. Last evaluated 2017-05-09.

Conditions:
MAP2K2-related disorder. Also called: MAP2K2-related condition.
Cardiovascular phenotype. Identifiers: MedGen CN230736.
RASopathy. Also called: Noonan spectrum disorder; rasopathies. Identifiers: Orphanet 536391, MedGen C5555857, MONDO:0021060.

Allele frequency attached by ClinVar (database versions not stated): gnomAD exomes 0.00004 and 0.00012; gnomAD 0.00006 and 0.00007; TOPMed 0.00008; ExAC 0.00018.
gnomAD v4.1: 62 of 1,607,506 alleles (0.0039%); highest among the groups gnomAD compares: East Asian, 0.13%; no homozygotes.

Submissions (7):

ClinGen RASopathy Variant Curation Expert Panel
Classification: Benign for Noonan syndrome and Noonan-related syndrome. Last evaluated: 2017-05-09. Review status: reviewed by expert panel. Criteria: ClinGen RASopathy ACMG Specifications v1. Collection method: curation. Allele origin: germline. Inheritance: Autosomal dominant inheritance.
Comment: The filtering allele frequency of the c.825G>A (p.Leu275=) variant in the MAP2K2 gene is 0.142% (14/5968) of East Asian chromosomes by the Exome Aggregation Consortium, which is a high enough frequency to be classified as benign based on thresholds defined by the ClinGen RASopathy Expert Panel (BA1; PMID:29493581)

Labcorp Genetics (formerly Invitae), Labcorp
Classification: Likely benign for RASopathy. Last evaluated: 2025-09-21. Review status: criteria provided, single submitter. Criteria: Invitae Variant Classification Sherloc (09022015). Collection method: clinical testing. Allele origin: germline. Not counted in ClinVar's aggregate classification.

Blueprint Genetics
Classification: Likely benign. Last evaluated: 2023-02-24. Review status: criteria provided, single submitter. Criteria: ACMG Guidelines, 2015. Collection method: clinical testing. Allele origin: germline. Not counted in ClinVar's aggregate classification.

Ambry Genetics
Classification: Likely benign for Cardiovascular phenotype. Last evaluated: 2022-03-07. Review status: criteria provided, single submitter. Criteria: Ambry Variant Classification Scheme 2023. Collection method: clinical testing. Allele origin: germline. Not counted in ClinVar's aggregate classification.

Women's Health and Genetics/Laboratory Corporation of America, LabCorp
Classification: Benign. Last evaluated: 2016-08-01. Review status: criteria provided, single submitter. Criteria: LabCorp Variant Classification Summary - May 2015. Collection method: clinical testing. Allele origin: germline. Not counted in ClinVar's aggregate classification.
Comment: Variant summary: The MAP2K2 c.825G>A (p.Leu275Leu) variant involves the alteration of a non-conserved nucleotide, resulting in a synonymous change. One in silico tool predicts a damaging outcome for this variant, and 4/5 splicing algorithms predict no significant change to normal splicing. This variant was found in 14/79364 control chromosomes, predominantly observed in the East Asian subpopulation at a frequency of 0.0023458 (14/5968). This frequency is about 938 times the estimated maximal expected allele frequency of a pathogenic MAP2K2 variant (0.0000025), highly suggesting this is a benign polymorphism found primarily in the populations of East Asian origin. In addition, the variant has not, to our knowledge, been reported in affected individuals via publications nor evaluated for functional impact by in vivo/vitro studies. Furthermore, one clinical diagnostic laboratory classified this variant as benign. Taken together and based on the high allele frequency in the East Asian ExAC population, this variant is classified as benign.

GeneDx
Classification: Benign. Last evaluated: 2013-12-06. Review status: criteria provided, single submitter. Criteria: GeneDx Variant Classification (06012015). Collection method: clinical testing. Allele origin: germline. Affected: yes. Not counted in ClinVar's aggregate classification.
Comment: This variant is considered likely benign or benign based on one or more of the following criteria: it is a conservative change, it occurs at a poorly conserved position in the protein, it is predicted to be benign by multiple in silico algorithms, and/or has population frequency not consistent with disease.

PreventionGenetics, part of Exact Sciences
Classification: Likely benign for MAP2K2-related condition. Last evaluated: 2020-10-02. Review status: no assertion criteria provided. Collection method: clinical testing. Allele origin: germline. Not counted in ClinVar's aggregate classification.
Comment: This variant is classified as likely benign based on ACMG/AMP sequence variant interpretation guidelines (Richards et al. 2015 PMID: 25741868, with internal and published modifications).

NM_030662.4(MAP2K2):c.825G>A (p.Leu275=)

Gene: MAP2K2 (mitogen-activated protein kinase kinase 2; minus strand). Cytogenetic location: 19p13.3.
Variant type: single nucleotide variant.
Coding change: c.825G>A on transcript NM_030662.4 (MANE Select); coding-DNA position 825, G replaced by A.
Protein change: p.Leu275=; no amino-acid change (leucine 275 retained).
Molecular consequence: synonymous variant.
Genome position (GRCh38, 1-based): chr19:4,099,295, C>T on the plus strand (G>A on the coding strand, the complement: MAP2K2 is on the minus strand). VCF-style: chr19-4099295-C-T. GRCh37 (hg19) VCF-style: chr19-4099293-C-T.
Other names: p.L275L:CTG>CTA; NM_030662.3(MAP2K2):c.825G>A.
Identifiers: ClinVar variation 138161 (VCV000138161.17), dbSNP rs587781027, ClinGen allele CA291999.
Genomic context (GRCh38, chr19:4,099,295, plus strand): 5'-CGAGATGCTGTGAGGCTCTCCTTCTTCCCCGTCGACCACGGGCCGGCCAAAGATGGCCTC[C>T]AGCTCTTTGGCGTCGGGCGGGGGGATGGGGTACCTTCCGACGGCCAGCTCCACCAGGGAC-3'
Protein context (NP_109587.1, residues 265-285): YPIPPPDAKE[Leu275=]EAIFGRPVVD